The following is an entry in ClinVar:

NM_000138.5(FBN1):c.7446C>G (p.Ser2482Arg)

Gene: FBN1 (fibrillin 1; minus strand). Cytogenetic location: 15q21.1.
Variant type: single nucleotide variant.
Coding change: c.7446C>G on transcript NM_000138.5 (MANE Select); coding-DNA position 7446, C replaced by G.
Protein change: p.Ser2482Arg; replaces serine 2482 with arginine.
Molecular consequence: missense variant.
Genome position (GRCh38, 1-based): chr15:48,425,376, G>C on the plus strand (C>G on the coding strand, the complement: FBN1 is on the minus strand). VCF-style: chr15-48425376-G-C. GRCh37 (hg19) VCF-style: chr15-48717573-G-C.
Other names: short protein forms S2482R.
Identifiers: ClinVar variation 923195 (VCV000923195.4), dbSNP rs2042970897, ClinGen allele CA392327519.
Genomic context (GRCh38, chr15:48,425,376, plus strand): 5'-ATGCAGCCATGTGTCAGGAGCTAGGTGAGGGGCAATGGTCAATTCTACTTTACCTTTGCA[G>C]CTCCTTCCATCCTCTTGCAGAATGTAGCCTTTCGGGCATGAACACTGGTAACTCCCTTCT-3'
Protein context (NP_000129.3, residues 2472-2492): KGYILQEDGR[Ser2482Arg]CKDLDECATK

ClinVar aggregate classification (germline): Uncertain significance (1 of 4 stars; one submission).

Conditions:
Familial thoracic aortic aneurysm and aortic dissection (TAAD). Also called: Thoracic aortic aneurysms and dissections. Identifiers: Orphanet 91387, MedGen C4707243, MONDO:0019625.

Submission:

Color Diagnostics, LLC DBA Color Health
Classification: Uncertain significance for Familial thoracic aortic aneurysm and aortic dissection. Last evaluated: 2024-03-06. Review status: criteria provided, single submitter. Criteria: ACMG Guidelines, 2015. Collection method: clinical testing. Allele origin: germline.
Comment: This missense variant replaces serine with arginine at codon 2482 of the FBN1 protein. Computational prediction suggests that this variant may have deleterious impact on protein structure and function (internally defined REVEL score threshold >= 0.7, PMID: 27666373). Splice site prediction tools suggest that this variant may not impact RNA splicing. To our knowledge, functional studies have not been performed for this variant. This variant has not been reported in individuals affected with cardiovascular disorders in the literature. This variant has not been identified in the general population by the Genome Aggregation Database (gnomAD). The available evidence is insufficient to determine the role of this variant in disease conclusively. Therefore, this variant is classified as a Variant of Uncertain Significance.